The following is an entry in ClinVar:

NM_001002295.2(GATA3):c.399C>T (p.Tyr133=)

Gene: GATA3 (GATA binding protein 3; plus strand). Cytogenetic location: 10p14.
Variant type: single nucleotide variant.
Coding change: c.399C>T on transcript NM_001002295.2 (MANE Select); coding-DNA position 399, C replaced by T.
Protein change: p.Tyr133=; no amino-acid change (tyrosine 133 retained).
Molecular consequence: synonymous variant.
Genome position (GRCh38, 1-based): chr10:8,058,462, C>T. VCF-style: chr10-8058462-C-T. GRCh37 (hg19) VCF-style: chr10-8100425-C-T.
Other names: c.399C>T, p.Tyr133= (NM_002051.3).
Identifiers: ClinVar variation 2978140 (VCV002978140.16), dbSNP rs772388081, ClinGen allele CA5404354.

ClinVar aggregate classification (germline): Likely benign. Review status: criteria provided, multiple submitters, no conflicts (2 of 4 stars). 2 submissions from 2 submitters: Likely benign (2). Last evaluated 2025-02-01.

Allele frequency attached by ClinVar (database versions not stated): gnomAD exomes below 0.00001; ExAC 0.00001.
gnomAD v4.1: 1 of 1,612,340 alleles (0.000062%); highest among the groups gnomAD compares: African/African-American, 0.0013%; no homozygotes.

Submissions (2):

CeGaT Center for Human Genetics Tuebingen
Classification: Likely benign. Last evaluated: 2025-02-01. Review status: criteria provided, single submitter. Criteria: CeGaT Center For Human Genetics Tuebingen Variant Classification Criteria Version 2. Collection method: clinical testing. Allele origin: germline. Affected: yes. Observed: 1 variant allele.
Comment: GATA3: BP4, BP7

Labcorp Genetics (formerly Invitae), Labcorp
Classification: Likely benign. Last evaluated: 2023-02-27. Review status: criteria provided, single submitter. Criteria: Invitae Variant Classification Sherloc (09022015). Collection method: clinical testing. Allele origin: germline.